The following is an entry in ClinVar:

NM_001367624.2(ZNF469):c.8093T>A (p.Leu2698Gln)

Gene: ZNF469 (zinc finger protein 469; plus strand). Cytogenetic location: 16q24.2.
Variant type: single nucleotide variant.
Coding change: c.8093T>A on transcript NM_001367624.2 (MANE Select); coding-DNA position 8093, T replaced by A.
Protein change: p.Leu2698Gln; replaces leucine 2698 with glutamine.
Molecular consequence: missense variant.
Genome position (GRCh38, 1-based): chr16:88,435,563, T>A. VCF-style: chr16-88435563-T-A. GRCh37 (hg19) VCF-style: chr16-88501971-T-A.
Other names: NM_001127464.1:c.8009T>A; p.Leu2698Gln; short protein forms L2698Q.
Identifiers: ClinVar variation 288512 (VCV000288512.23), dbSNP rs3812956, ClinGen allele CA8225309.

ClinVar aggregate classification (germline): Benign/Likely benign. Review status: criteria provided, multiple submitters, no conflicts (2 of 4 stars). 10 submissions from 10 submitters: Benign (7); Likely benign (1). 2 of the submissions do not count toward it. Last evaluated 2026-02-04.

Conditions:
Brittle cornea syndrome 1 (BCS1). Also called: CORNEAL FRAGILITY, KERATOGLOBUS, BLUE SCLERAE, JOINT HYPEREXTENSIBILITY; DYSGENESIS MESODERMALIS CORNEAE ET SCLERAE; EDS6B; FRAGILITAS OCULI WITH JOINT HYPEREXTENSIBILITY; Corneal fragility keratoglobus, blue sclerae AND joint hypermobility. Identifiers: Orphanet 90354, MedGen C0268344, MONDO:0024543, OMIM 229200.
Cardiovascular phenotype. Identifiers: MedGen CN230736.

Allele frequency attached by ClinVar (database versions not stated): 1000 Genomes Project 0.29433; 1000 Genomes Project 30x 0.29450; ExAC 0.30619; TOPMed 0.31353; gnomAD 0.32574 and 0.32763; ESP Exome Variant Server 0.33830; gnomAD exomes 0.33872 and 0.37188.
gnomAD v4.1: 567,287 of 1,549,570 alleles (37%); highest among the groups gnomAD compares: East Asian, 41%; 106,858 homozygotes.

Submissions (10):

Labcorp Genetics (formerly Invitae), Labcorp
Classification: Benign. Last evaluated: 2026-02-04. Review status: criteria provided, single submitter. Criteria: Invitae Variant Classification Sherloc (09022015). Collection method: clinical testing. Allele origin: germline.

Women's Health and Genetics/Laboratory Corporation of America, LabCorp
Classification: Likely benign. Last evaluated: 2026-01-21. Review status: criteria provided, single submitter. Criteria: LabCorp Variant Classification Summary - May 2015. Collection method: clinical testing. Allele origin: germline.

Mayo Clinic Laboratories, Mayo Clinic
Classification: Benign. Last evaluated: 2022-04-26. Review status: criteria provided, single submitter. Criteria: ACMG Guidelines, 2015. Collection method: clinical testing. Allele origin: germline. Observed: 1,904 variant alleles.

Genome-Nilou Lab
Classification: Benign for Brittle cornea syndrome 1. Last evaluated: 2021-12-05. Review status: criteria provided, single submitter. Criteria: ACMG Guidelines, 2015. Collection method: clinical testing. Allele origin: germline. Affected: no.

Ambry Genetics
Classification: Benign for Cardiovascular phenotype. Last evaluated: 2018-12-04. Review status: criteria provided, single submitter. Criteria: Ambry Variant Classification Scheme 2023. Collection method: clinical testing. Allele origin: germline.

GeneDx
Classification: Benign. Last evaluated: 2016-10-05. Review status: criteria provided, single submitter. Criteria: GeneDx Variant Classification (06012015). Collection method: clinical testing. Allele origin: germline. Affected: yes.
Comment: This variant is considered likely benign or benign based on one or more of the following criteria: it is a conservative change, it occurs at a poorly conserved position in the protein, it is predicted to be benign by multiple in silico algorithms, and/or has population frequency not consistent with disease.

Eurofins Ntd Llc (ga)
Classification: Benign. Last evaluated: 2016-06-24. Review status: criteria provided, single submitter. Criteria: EGL Classification Definitions 2015. Collection method: clinical testing. Allele origin: germline. Observed: 1 variant allele, 1 heterozygote.

Breakthrough Genomics
Classification: Benign. Review status: criteria provided, single submitter. Criteria: ACMG Guidelines, 2015. Collection method: not provided. Allele origin: germline. Inheritance: Autosomal recessive inheritance. Affected: yes.

Genome Diagnostics Laboratory, Amsterdam University Medical Center
Classification: Benign for Brittle cornea syndrome 1. Last evaluated: 2016-01-15. Review status: no assertion criteria provided. Criteria: ACGS Guidelines, 2013. Collection method: clinical testing. Allele origin: germline. Affected: yes. Study: VKGL Data-share Consensus. Not counted in ClinVar's aggregate classification.

Diagnostic Laboratory, Department of Genetics, University Medical Center Groningen
Classification: Benign for Brittle cornea syndrome 1. Review status: no assertion criteria provided. Collection method: clinical testing. Allele origin: germline. Affected: yes. Study: VKGL Data-share Consensus. Not counted in ClinVar's aggregate classification.